The following is an entry in ClinVar:

NM_000059.4(BRCA2):c.4110C>T (p.Gly1370=)

Gene: BRCA2 (BRCA2 DNA repair associated; plus strand). Cytogenetic location: 13q13.1.
Variant type: single nucleotide variant.
Coding change: c.4110C>T on transcript NM_000059.4 (MANE Select); coding-DNA position 4110, C replaced by T.
Protein change: p.Gly1370=; no amino-acid change (glycine 1370 retained).
Molecular consequence: synonymous variant.
Genome position (GRCh38, 1-based): chr13:32,338,465, C>T. VCF-style: chr13-32338465-C-T. GRCh37 (hg19) VCF-style: chr13-32912602-C-T.
Identifiers: ClinVar variation 427499 (VCV000427499.16), dbSNP rs758430181, ClinGen allele CA6940748.
Genomic context (GRCh38, chr13:32,338,465, plus strand): 5'-TAAAGATGAAACGGACTTGCTATTTACTGATCAGCACAACATATGTCTTAAATTATCTGG[C>T]CAGTTTATGAAGGAGGGAAACACTCAGATTAAAGAAGATTTGTCAGATTTAACTTTTTTG-3'
Protein context (NP_000050.3, residues 1360-1380): DQHNICLKLS[Gly1370=]QFMKEGNTQI

ClinVar aggregate classification (germline): Likely benign. Review status: reviewed by expert panel (3 of 4 stars). 5 submissions from 5 submitters: Likely benign (1). 4 of the submissions do not count toward it. Last evaluated 2017-06-29.

Conditions:
Hereditary cancer-predisposing syndrome. Also called: Hereditary neoplastic syndrome; Hereditary Cancer Syndrome; Neoplastic Syndromes, Hereditary; Tumor predisposition. Identifiers: Orphanet 140162, MedGen C0027672, MeSH D009386, MONDO:0015356.
Hereditary breast ovarian cancer syndrome. Also called: Hereditary breast and ovarian cancer syndrome; BRCA1- and BRCA2-Associated Hereditary Breast and Ovarian Cancer; Hereditary breast and/or ovarian cancer syndrome; Hereditary breast and ovarian cancer; Breast and ovarian cancer; Hereditary breast and ovarian cancer syndrome (HBOC). Identifiers: Orphanet 145, MedGen C0677776, MeSH D061325, MONDO:0003582. Disease mechanism: loss of function.
Breast-ovarian cancer, familial, susceptibility to, 2 (BROVCA2). Also called: BRCA2 Hereditary Breast and Ovarian Cancer. Identifiers: Orphanet 145, MedGen C2675520, MONDO:0012933, OMIM 612555. Disease mechanism: loss of function.

Allele frequency attached by ClinVar (database versions not stated): gnomAD exomes below 0.00001 and 0.00001; ExAC 0.00001.
gnomAD v4.1: 1 of 1,611,016 alleles (0.000062%); highest among the groups gnomAD compares: Admixed American, 0.0017%; no homozygotes.

Submissions (5):

Evidence-based Network for the Interpretation of Germline Mutant Alleles (ENIGMA)
Classification: Likely benign for Breast-ovarian cancer, familial, susceptibility to, 2. Last evaluated: 2017-06-29. Review status: reviewed by expert panel. Criteria: ENIGMA BRCA1/2 Classification Criteria (2017-06-29). Collection method: curation. Allele origin: germline.
Comment: Synonymous substitution variant, with low bioinformatic likelihood to result in a splicing aberration (Splicing prior probability 0.02).

Women's Health and Genetics/Laboratory Corporation of America, LabCorp
Classification: Likely benign. Last evaluated: 2025-02-21. Review status: criteria provided, single submitter. Criteria: LabCorp Variant Classification Summary - May 2015. Collection method: clinical testing. Allele origin: germline. Not counted in ClinVar's aggregate classification.

Labcorp Genetics (formerly Invitae), Labcorp
Classification: Likely benign for Hereditary breast ovarian cancer syndrome. Last evaluated: 2024-02-17. Review status: criteria provided, single submitter. Criteria: Invitae Variant Classification Sherloc (09022015). Collection method: clinical testing. Allele origin: germline. Not counted in ClinVar's aggregate classification.

Ambry Genetics
Classification: Likely benign for Hereditary cancer-predisposing syndrome. Last evaluated: 2022-03-31. Review status: criteria provided, single submitter. Criteria: Ambry Variant Classification Scheme 2023. Collection method: clinical testing. Allele origin: germline. Not counted in ClinVar's aggregate classification.

Quest Diagnostics Nichols Institute San Juan Capistrano
Classification: Uncertain significance. Last evaluated: 2017-03-17. Review status: criteria provided, single submitter. Criteria: Quest Diagnostics criteria. Collection method: clinical testing. Allele origin: germline. Not counted in ClinVar's aggregate classification.